The following is an entry in ClinVar:

ClinVar aggregate classification (germline): Benign/Likely benign. Review status: criteria provided, multiple submitters, no conflicts (2 of 4 stars). 2 submissions from 2 submitters: Benign (1); Likely benign (1). Last evaluated 2026-06-01.

Allele frequency attached by ClinVar (database versions not stated): TOPMed 0.00003; gnomAD exomes 0.00011; gnomAD 0.00012; ExAC 0.00017; 1000 Genomes Project 0.00040; 1000 Genomes Project 30x 0.00047.
gnomAD v4.1: 181 of 1,614,088 alleles (0.011%); highest among the groups gnomAD compares: Middle Eastern, 0.26%; 1 homozygote.

Submissions (2):

CeGaT Center for Human Genetics Tuebingen
Classification: Likely benign. Last evaluated: 2026-06-01. Review status: criteria provided, single submitter. Criteria: CeGaT Center For Human Genetics Tuebingen Variant Classification Criteria Version 2. Collection method: clinical testing. Allele origin: germline. Affected: yes. Observed: 1 variant allele.
Comment: BPTF: BP4, BP7

Labcorp Genetics (formerly Invitae), Labcorp
Classification: Benign. Last evaluated: 2025-06-16. Review status: criteria provided, single submitter. Criteria: Invitae Variant Classification Sherloc (09022015). Collection method: clinical testing. Allele origin: germline.

NM_182641.4(BPTF):c.4815A>G (p.Val1605=)

Gene: BPTF (bromodomain PHD finger transcription factor; plus strand). Cytogenetic location: 17q24.2.
Variant type: single nucleotide variant.
Coding change: c.4815A>G on transcript NM_182641.4 (MANE Select); coding-DNA position 4815, A replaced by G.
Protein change: p.Val1605=; no amino-acid change (valine 1605 retained).
Molecular consequence: synonymous variant.
Genome position (GRCh38, 1-based): chr17:67,912,699, A>G. VCF-style: chr17-67912699-A-G. GRCh37 (hg19) VCF-style: chr17-65908815-A-G.
Other names: c.5193A>G, p.Val1731= (NM_004459.7).
Identifiers: ClinVar variation 2821246 (VCV002821246.5), dbSNP rs561379442, ClinGen allele CA8725866.
Genomic context (GRCh38, chr17:67,912,699, plus strand): 5'-CACAGAAGTCACCACGATGACCTCCACAGTGGCCACAGAATCAAAAACTGTGATCAAGGT[A>G]GAAAAAGGCGATAAGCAAACTGTGGTTTCTTCCACAGAAAATTGTGCAAAATCCACTGTC-3'
Protein context (NP_872579.2, residues 1595-1615): VATESKTVIK[Val1605=]EKGDKQTVVS